The following is an entry in ClinVar:

NM_001363.5(DKC1):c.1223C>T (p.Thr408Ile)

Gene: DKC1 (dyskerin pseudouridine synthase 1; plus strand). Cytogenetic location: Xq28.
Variant type: single nucleotide variant.
Coding change: c.1223C>T on transcript NM_001363.5 (MANE Select); coding-DNA position 1223, C replaced by T.
Protein change: p.Thr408Ile; replaces threonine 408 with isoleucine.
Molecular consequence: missense variant. On other transcripts: non-coding transcript variant (3).
Genome position (GRCh38, 1-based): chrX:154,774,669, C>T. VCF-style: chrX-154774669-C-T. GRCh37 (hg19) VCF-style: chrX-154002944-C-T.
Other names: c.1223C>T, p.Thr408Ile (NM_001142463.3, NM_001288747.2); short protein forms T408I.
Identifiers: ClinVar variation 38941 (VCV000038941.19), dbSNP rs199422254, ClinGen allele CA343223.

ClinVar aggregate classification (germline): Conflicting classifications of pathogenicity. Review status: criteria provided, conflicting classifications (1 of 4 stars). 5 submissions from 5 submitters: Likely pathogenic (3); Uncertain significance (1). 1 of the submissions does not count toward it. Last evaluated 2025-05-01.

Conditions:
DKC1-Related Disorders. Identifiers: MedGen CN380080.
Dyskeratosis congenita. Identifiers: Orphanet 1775, MedGen C0265965, MONDO:0015780.
Dyskeratosis congenita, X-linked (DKCX). Also called: Zinsser-Cole-Engman Syndrome. Identifiers: MedGen C1148551, MONDO:0010584, OMIM 305000.

Submissions (5):

GeneDx
Classification: Likely pathogenic. Last evaluated: 2025-05-01. Review status: criteria provided, single submitter. Criteria: GeneDx Variant Classification Process June 2021. Collection method: clinical testing. Allele origin: germline. Affected: yes.
Comment: Not observed at significant frequency in large population cohorts (gnomAD); In silico analysis supports that this missense variant has a deleterious effect on protein structure/function; This variant is associated with the following publications: (PMID: 31269755, 20301779, 37879098, 16332973, 32191290)

Labcorp Genetics (formerly Invitae), Labcorp
Classification: Uncertain significance for Dyskeratosis congenita. Last evaluated: 2025-03-26. Review status: criteria provided, single submitter. Criteria: Invitae Variant Classification Sherloc (09022015). Collection method: clinical testing. Allele origin: germline.
Comment: This sequence change replaces threonine, which is neutral and polar, with isoleucine, which is neutral and non-polar, at codon 408 of the DKC1 protein (p.Thr408Ile). This variant is not present in population databases (gnomAD no frequency). This missense change has been observed in individuals with dyskeratosis congenita (PMID: 16332973; internal data). ClinVar contains an entry for this variant (Variation ID: 38941). Invitae Evidence Modeling of protein sequence and biophysical properties (such as structural, functional, and spatial information, amino acid conservation, physicochemical variation, residue mobility, and thermodynamic stability) indicates that this missense variant is expected to disrupt DKC1 protein function with a positive predictive value of 80%. Experimental studies have shown that this missense change affects DKC1 function (PMID: 37879098). In summary, the available evidence is currently insufficient to determine the role of this variant in disease. Therefore, it has been classified as a Variant of Uncertain Significance.

Blueprint Genetics
Classification: Likely pathogenic for DKC1-related disorders. Last evaluated: 2024-01-26. Review status: criteria provided, single submitter. Criteria: ACMG Guidelines, 2015. Collection method: clinical testing. Allele origin: germline. Affected: yes. Observed: 2 variant alleles.

Genetic Services Laboratory, University of Chicago
Classification: Likely pathogenic. Last evaluated: 2019-11-15. Review status: criteria provided, single submitter. Criteria: ACMG Guidelines, 2015. Collection method: clinical testing. Allele origin: germline. Affected: yes.

GeneReviews
No classification provided. Condition: Dyskeratosis congenita, X-linked. Review status: no classification provided. Collection method: literature only. Allele origin: unknown. Not counted in ClinVar's aggregate classification.

Literature cited by the submitters: PubMed 16332973 (cited by Labcorp Genetics (formerly Invitae), Labcorp); PubMed 37879098 (cited by Labcorp Genetics (formerly Invitae), Labcorp); PubMed 20301779 (cited by GeneReviews); NCBI Bookshelf NBK22301 (cited by GeneReviews).